The following is an entry in ClinVar:

ClinVar aggregate classification (germline): Uncertain significance. Review status: criteria provided, multiple submitters, no conflicts (2 of 4 stars). 2 submissions from 2 submitters: Uncertain significance (2). Last evaluated 2025-02-13.

Conditions:
Idiopathic basal ganglia calcification 1 (PFBC1A). Also called: Familial Idiopathic Basal Ganglia Calcification 2; Fahr's syndrome; Cerebral calcification nonarteriosclerotic idiopathic adult-onset; Striopallidodentate calcinosis autosomal dominant adult-onset; Ferrocalcinosis, cerebrovascular; Fahr disease, familial (formerly). Identifiers: Orphanet 1980, MedGen C4551624, MONDO:0024538, OMIM 213600.

gnomAD v4.1: 4 of 1,597,306 alleles (0.00025%); highest among the groups gnomAD compares: Non-Finnish European, 0.00034%; no homozygotes.

Submissions (2):

Laboratorio de Genetica e Diagnostico Molecular, Hospital Israelita Albert Einstein
Classification: Uncertain significance for Idiopathic basal ganglia calcification 1. Last evaluated: 2025-02-13. Review status: criteria provided, single submitter. Criteria: ACMG Guidelines, 2015. Collection method: clinical testing. Allele origin: germline. Affected: yes.
Comment: ACMG classification criteria: PM2 supporting, PP2 supporting, PP3 supporting

CeGaT Center for Human Genetics Tuebingen
Classification: Uncertain significance. Last evaluated: 2024-07-01. Review status: criteria provided, single submitter. Criteria: CeGaT Center For Human Genetics Tuebingen Variant Classification Criteria Version 2. Collection method: clinical testing. Allele origin: germline. Affected: yes. Observed: 1 variant allele.
Comment: SLC20A2: PM2, PP3

NM_001257180.2(SLC20A2):c.1519G>A (p.Val507Met)

Gene: SLC20A2 (solute carrier family 20 member 2; minus strand). Cytogenetic location: 8p11.21.
Variant type: single nucleotide variant.
Coding change: c.1519G>A on transcript NM_001257180.2 (MANE Select); coding-DNA position 1519, G replaced by A.
Protein change: p.Val507Met; replaces valine 507 with methionine.
Molecular consequence: missense variant.
Genome position (GRCh38, 1-based): chr8:42,436,993, C>T on the plus strand (G>A on the coding strand, the complement: SLC20A2 is on the minus strand). VCF-style: chr8-42436993-C-T. GRCh37 (hg19) VCF-style: chr8-42294511-C-T.
Other names: c.1519G>A, p.Val507Met (NM_001257181.2, NM_006749.5); short protein forms V507M.
Identifiers: ClinVar variation 3257450 (VCV003257450.18).